The following is an entry in ClinVar:

ClinVar aggregate classification (germline): Pathogenic (1 of 4 stars; one submission).

Conditions:
Hereditary cancer-predisposing syndrome. Also called: Neoplastic Syndromes, Hereditary; Tumor predisposition; Hereditary Cancer Syndrome; Hereditary neoplastic syndrome. Identifiers: Orphanet 140162, MedGen C0027672, MeSH D009386, MONDO:0015356.

Submission:

Ambry Genetics
Classification: Pathogenic for Hereditary cancer-predisposing syndrome. Last evaluated: 2025-08-21. Review status: criteria provided, single submitter. Criteria: Ambry Variant Classification Scheme 2023. Collection method: clinical testing. Allele origin: germline.
Comment: The c.243delT pathogenic mutation, located in coding exon 3 of the ATM gene, results from a deletion of one nucleotide at nucleotide position 243, causing a translational frameshift with a predicted alternate stop codon (p.N81Kfs*35). This variant is considered to be rare based on population cohorts in the Genome Aggregation Database (gnomAD). This alteration is expected to result in loss of function by premature protein truncation or nonsense-mediated mRNA decay. As such, this alteration is interpreted as a disease-causing mutation.

NM_000051.4(ATM):c.243del (p.Asn81fs)

Gene: ATM (ATM serine/threonine kinase; plus strand). Cytogenetic location: 11q22.3.
Variant type: Deletion.
Coding change: c.243del on transcript NM_000051.4 (MANE Select); coding-DNA position 243, one base deleted (T; older notation c.243delT).
Protein change: p.Asn81fs; shifts the reading frame from asparagine 81.
Molecular consequence: frameshift variant.
Genome position (GRCh38, 1-based): chr11:108,229,235, T deleted. VCF-style (leftmost placement, unchanged base first): chr11-108229234-AT-A. GRCh37 (hg19) VCF-style: chr11-108099961-AT-A.
Other names: c.243del, p.Asn81fs (NM_001351834.2, NM_001351835.2, NM_001351836.2); short protein forms N81fs.
Identifiers: ClinVar variation 4170080 (VCV004170080.1).
Genomic context (GRCh38, chr11:108,229,234, plus strand): 5'-GAAGATTTTTACAGAAATATATTCAGAAAGAAACAGAATGTCTGAGAATAGCAAAACCAA[AT>A]GTATCAGCCTCAACACAAGCCTCCAGGCAGAAAAAGATGCAGGAAATCAGTAGTTTGGTC-3'